The following is an entry in ClinVar:

ClinVar aggregate classification (germline): Uncertain significance (1 of 4 stars; one submission).

Allele frequency attached by ClinVar (database versions not stated): gnomAD exomes 0.00001.

Submission:

Labcorp Genetics (formerly Invitae), Labcorp
Classification: Uncertain significance. Last evaluated: 2025-12-13. Review status: criteria provided, single submitter. Criteria: Invitae Variant Classification Sherloc (09022015). Collection method: clinical testing. Allele origin: germline.
Comment: This sequence change falls in intron 17 of the CNOT1 gene. It does not directly change the encoded amino acid sequence of the CNOT1 protein. It affects a nucleotide within the consensus splice site. This variant is present in population databases (no rsID available, gnomAD 0.009%). This variant has not been reported in the literature in individuals affected with CNOT1-related conditions. ClinVar contains an entry for this variant (Variation ID: 1995165). Variants that disrupt the consensus splice site are a relatively common cause of aberrant splicing (PMID: 17576681, 9536098). Algorithms developed to predict the effect of sequence changes on RNA splicing suggest that this variant is not likely to affect RNA splicing. In summary, the available evidence is currently insufficient to determine the role of this variant in disease. Therefore, it has been classified as a Variant of Uncertain Significance.

Literature cited by the submitters: PubMed 17576681; PubMed 9536098.

NM_016284.5(CNOT1):c.2131-3T>C

Gene: CNOT1 (CCR4-NOT transcription complex subunit 1; minus strand). Cytogenetic location: 16q21.
Variant type: single nucleotide variant.
Coding change: c.2131-3T>C on transcript NM_016284.5 (MANE Select); 3 bases into the intron before coding-DNA position 2131, T replaced by C.
Molecular consequence: intron variant.
Genome position (GRCh38, 1-based): chr16:58,558,677, A>G on the plus strand (T>C on the coding strand, the complement: CNOT1 is on the minus strand). VCF-style: chr16-58558677-A-G. GRCh37 (hg19) VCF-style: chr16-58592581-A-G.
Other names: c.2131-3T>C (NM_001265612.2, NM_206999.3).
Identifiers: ClinVar variation 1995165 (VCV001995165.4), dbSNP rs1441086741, ClinGen allele CA623114792.